The following is an entry in ClinVar:

NM_020639.3(RIPK4):c.849C>T (p.Thr283=)

Gene: RIPK4 (receptor interacting serine/threonine kinase 4; minus strand). Cytogenetic location: 21q22.3.
Variant type: single nucleotide variant.
Coding change: c.849C>T on transcript NM_020639.3 (MANE Select); coding-DNA position 849, C replaced by T.
Protein change: p.Thr283=; no amino-acid change (threonine 283 retained).
Molecular consequence: synonymous variant.
Genome position (GRCh38, 1-based): chr21:41,745,846, G>A on the plus strand (C>T on the coding strand, the complement: RIPK4 is on the minus strand). VCF-style: chr21-41745846-G-A. GRCh37 (hg19) VCF-style: chr21-43166006-G-A.
Identifiers: ClinVar variation 3051172 (VCV003051172.2), dbSNP rs1356031463, ClinGen allele CA512663596.

ClinVar aggregate classification (germline): Likely benign (0 of 4 stars; one submission).

Conditions:
RIPK4-related disorder. Also called: RIPK4-related condition.

Allele frequency attached by ClinVar (database versions not stated): gnomAD 0.00001; gnomAD exomes 0.00001.
gnomAD v4.1: 14 of 1,613,796 alleles (0.00087%); highest among the groups gnomAD compares: Middle Eastern, 0.016%; no homozygotes.

Submission:

PreventionGenetics, part of Exact Sciences
Classification: Likely benign for RIPK4-related condition. Last evaluated: 2022-06-20. Review status: no assertion criteria provided. Collection method: clinical testing. Allele origin: germline.
Comment: This variant is classified as likely benign based on ACMG/AMP sequence variant interpretation guidelines (Richards et al. 2015 PMID: 25741868, with internal and published modifications).